The following is an entry in ClinVar:

NM_003001.5(SDHC):c.488C>G (p.Ser163Cys)

Gene: SDHC (succinate dehydrogenase complex subunit C; plus strand). Cytogenetic location: 1q23.3.
Variant type: single nucleotide variant.
Coding change: c.488C>G on transcript NM_003001.5 (MANE Select); coding-DNA position 488, C replaced by G.
Protein change: p.Ser163Cys; replaces serine 163 with cysteine.
Molecular consequence: missense variant. On other transcripts: synonymous variant (3), non-coding transcript variant (1).
Genome position (GRCh38, 1-based): chr1:161,362,411, C>G. VCF-style: chr1-161362411-C-G. GRCh37 (hg19) VCF-style: chr1-161332201-C-G.
Other names: c.324C>G, p.Leu108= (NM_001035511.3); c.386C>G, p.Ser129Cys (NM_001035512.3); c.329C>G, p.Ser110Cys (NM_001035513.3); c.222C>G, p.Leu74= (NM_001278172.3); c.608C>G, p.Ser203Cys (NM_001407115.1); c.431C>G, p.Ser144Cys (NM_001407116.1); c.425C>G, p.Ser142Cys (NM_001407117.1); c.380C>G, p.Ser127Cys (NM_001407118.1); and 2 more; short protein forms S110C, S129C, S142C, S126C, S127C, S144C, S163C, S203C.
Identifiers: ClinVar variation 2447632 (VCV002447632.6), dbSNP rs1672554146, ClinGen allele CA343457929.
Genomic context (GRCh38, chr1:161,362,411, plus strand): 5'-TGAAGATTCCCCAGCTATACCAGTCTGGAGTGGTTGTCCTGGTTCTTACTGTGTTGTCCT[C>G]TATGGGGCTGGCAGCCATGTGAAGAAAGGAGGCTCCCAGCATCATCTTCCTACACATTAT-3'
Protein context (NP_002992.1, residues 153-169): VVVLVLTVLS[Ser163Cys]MGLAAM

ClinVar aggregate classification (germline): Uncertain significance. Review status: criteria provided, multiple submitters, no conflicts (2 of 4 stars). 2 submissions from 2 submitters: Uncertain significance (2). Last evaluated 2026-08-20.

Conditions:
Hereditary cancer-predisposing syndrome. Also called: Hereditary Cancer Syndrome; Hereditary neoplastic syndrome; Neoplastic Syndromes, Hereditary; Tumor predisposition. Identifiers: Orphanet 140162, MedGen C0027672, MeSH D009386, MONDO:0015356.
Gastrointestinal stromal tumor. Also called: Gastrointestinal stroma tumor; Gastrointestinal stromal tumor, somatic. Identifiers: Orphanet 44890, MedGen C0238198, MeSH D046152, MONDO:0011719, OMIM 606764, HP:0100723.
Pheochromocytoma/paraganglioma syndrome 3. Also called: Paragangliomas 3; SDHC-Related Hereditary Paraganglioma-Pheochromocytoma Syndrome (Paragangliomas 3); SDHC-Related Hereditary Paraganglioma-Pheochromocytoma Syndrome; GLOMUS TUMORS, FAMILIAL, 3. Identifiers: Orphanet 29072, MedGen C1854336, MONDO:0011544, OMIM 605373.

Submissions (2):

Ambry Genetics
Classification: Uncertain significance for Hereditary cancer-predisposing syndrome. Last evaluated: 2026-08-20. Review status: criteria provided, single submitter. Criteria: Ambry Variant Classification Scheme 2023. Collection method: clinical testing. Allele origin: germline.
Comment: The p.S163C variant (also known as c.488C>G), located in coding exon 6 of the SDHC gene, results from a C to G substitution at nucleotide position 488. The serine at codon 163 is replaced by cysteine, an amino acid with dissimilar properties. This amino acid position is highly conserved in available vertebrate species. In addition, this alteration is predicted to be deleterious by in silico analysis. Based on the available evidence, the clinical significance of this variant remains unclear.

Labcorp Genetics (formerly Invitae), Labcorp
Classification: Uncertain significance for Pheochromocytoma/paraganglioma syndrome 3; Gastrointestinal stromal tumor. Last evaluated: 2023-02-21. Review status: criteria provided, single submitter. Criteria: Invitae Variant Classification Sherloc (09022015). Collection method: clinical testing. Allele origin: germline.
Comment: In summary, the available evidence is currently insufficient to determine the role of this variant in disease. Therefore, it has been classified as a Variant of Uncertain Significance. An algorithm developed to predict the effect of missense changes on protein structure and function (PolyPhen-2) suggests that this variant is likely to be disruptive. This variant has not been reported in the literature in individuals affected with SDHC-related conditions. This variant is not present in population databases (gnomAD no frequency). This sequence change replaces serine, which is neutral and polar, with cysteine, which is neutral and slightly polar, at codon 163 of the SDHC protein (p.Ser163Cys).